The following is an entry in ClinVar:

ClinVar aggregate classification (germline): Uncertain significance. Review status: criteria provided, multiple submitters, no conflicts (2 of 4 stars). 2 submissions from 2 submitters: Uncertain significance (2). Last evaluated 2025-01-11.

Conditions:
Inborn genetic diseases. Identifiers: MedGen C0950123, MeSH D030342.

Allele frequency attached by ClinVar (database versions not stated): gnomAD exomes below 0.00001.
gnomAD v4.1: 3 of 1,612,342 alleles (0.00019%); highest among the groups gnomAD compares: Non-Finnish European, 0.00025%; no homozygotes.

Submissions (2):

Labcorp Genetics (formerly Invitae), Labcorp
Classification: Uncertain significance. Last evaluated: 2025-01-11. Review status: criteria provided, single submitter. Criteria: Invitae Variant Classification Sherloc (09022015). Collection method: clinical testing. Allele origin: germline.
Comment: This sequence change replaces isoleucine, which is neutral and non-polar, with methionine, which is neutral and non-polar, at codon 358 of the CLCN7 protein (p.Ile358Met). This variant is present in population databases (no rsID available, gnomAD 0.0009%). This variant has not been reported in the literature in individuals affected with CLCN7-related conditions. ClinVar contains an entry for this variant (Variation ID: 3145428). Invitae Evidence Modeling of protein sequence and biophysical properties (such as structural, functional, and spatial information, amino acid conservation, physicochemical variation, residue mobility, and thermodynamic stability) indicates that this missense variant is not expected to disrupt CLCN7 protein function with a negative predictive value of 95%. In summary, the available evidence is currently insufficient to determine the role of this variant in disease. Therefore, it has been classified as a Variant of Uncertain Significance.

Ambry Genetics
Classification: Uncertain significance for Inborn genetic diseases. Last evaluated: 2024-01-30. Review status: criteria provided, single submitter. Criteria: Ambry Variant Classification Scheme 2023. Collection method: clinical testing. Allele origin: germline.

NM_001287.6(CLCN7):c.1074C>G (p.Ile358Met)

Gene: CLCN7 (chloride voltage-gated channel 7; minus strand). Cytogenetic location: 16p13.3.
Variant type: single nucleotide variant.
Coding change: c.1074C>G on transcript NM_001287.6 (MANE Select); coding-DNA position 1074, C replaced by G.
Protein change: p.Ile358Met; replaces isoleucine 358 with methionine.
Molecular consequence: missense variant.
Genome position (GRCh38, 1-based): chr16:1,455,158, G>C on the plus strand (C>G on the coding strand, the complement: CLCN7 is on the minus strand). VCF-style: chr16-1455158-G-C. GRCh37 (hg19) VCF-style: chr16-1505159-G-C.
Other names: c.1002C>G, p.Ile334Met (NM_001114331.3); short protein forms I358M, I334M.
Identifiers: ClinVar variation 3145428 (VCV003145428.3), dbSNP rs1435067199, ClinGen allele CA394189720.
Genomic context (GRCh38, chr16:1,455,158, plus strand): 5'-TACGAGGTGGGCGAGGTGGGCGATGGGGCAGGTTACCTCCGAGTCAAACCTTCCGAAGTT[G>C]ATGAGGCCTGGGCTGGACAGGTCCCACATGTTCCCGTGGTAAATGCTCAGAACAAAATTC-3'
Protein context (NP_001278.1, residues 348-368): NMWDLSSPGL[Ile358Met]NFGRFDSEKM